The following is an entry in ClinVar:

NM_153006.3(NAGS):c.916-2A>T

Gene: NAGS (N-acetylglutamate synthase; plus strand). Cytogenetic location: 17q21.31.
Variant type: single nucleotide variant.
Coding change: c.916-2A>T on transcript NM_153006.3 (MANE Select); the canonical splice acceptor site of the intron before coding-DNA position 916, A replaced by T.
Molecular consequence: splice acceptor variant.
Genome position (GRCh38, 1-based): chr17:44,006,527, A>T. VCF-style: chr17-44006527-A-T. GRCh37 (hg19) VCF-style: chr17-42083895-A-T.
Other names: IVS3AS, A-T, -2.
Identifiers: ClinVar variation 2429 (VCV000002429.6), dbSNP rs730880267, ClinGen allele CA115545.

ClinVar aggregate classification (germline): Pathogenic/Likely pathogenic. Review status: criteria provided, multiple submitters, no conflicts (2 of 4 stars). 4 submissions from 4 submitters: Pathogenic (2); Likely pathogenic (1). 1 of the submissions does not count toward it. Last evaluated 2024-04-07.

Conditions:
Hyperammonemia, type III (NAGSD). Also called: Hyperammonemia due to N-acetylglutamate synthase deficiency. Identifiers: Orphanet 927, MedGen C0268543, MONDO:0009377, OMIM 237310.

gnomAD v4.1: 2 of 1,552,682 alleles (0.00013%); highest among the groups gnomAD compares: Non-Finnish European, 0.00017%; no homozygotes.

Submissions (4):

Fulgent Genetics
Classification: Likely pathogenic for Hyperammonemia, type III. Last evaluated: 2024-04-07. Review status: criteria provided, single submitter. Criteria: ACMG Guidelines, 2015. Collection method: clinical testing. Allele origin: germline.

Labcorp Genetics (formerly Invitae), Labcorp
Classification: Pathogenic for Hyperammonemia, type III. Last evaluated: 2023-11-27. Review status: criteria provided, single submitter. Criteria: Invitae Variant Classification Sherloc (09022015). Collection method: clinical testing. Allele origin: germline.
Comment: This sequence change affects an acceptor splice site in intron 3 of the NAGS gene. It is expected to disrupt RNA splicing. Variants that disrupt the donor or acceptor splice site typically lead to a loss of protein function (PMID: 16199547), and loss-of-function variants in NAGS are known to be pathogenic (PMID: 12594532). This variant is not present in population databases (gnomAD no frequency). Disruption of this splice site has been observed in individual(s) with N-acetylglutamate synthase (NAGS) deficiency (PMID: 12754705). In at least one individual the data is consistent with being in trans (on the opposite chromosome) from a pathogenic variant. This variant is also known as IVS3–2A>T. ClinVar contains an entry for this variant (Variation ID: 2429). Algorithms developed to predict the effect of sequence changes on RNA splicing suggest that this variant may disrupt the consensus splice site. For these reasons, this variant has been classified as Pathogenic.

Baylor Genetics
Classification: Pathogenic for Hyperammonemia, type III. Last evaluated: 2023-04-28. Review status: criteria provided, single submitter. Criteria: ACMG Guidelines, 2015. Collection method: clinical testing. Allele origin: unknown.

OMIM
Classification: Pathogenic for N-ACETYLGLUTAMATE SYNTHASE DEFICIENCY. Last evaluated: 2003-06-01. Review status: no assertion criteria provided. Collection method: literature only. Allele origin: germline. Not counted in ClinVar's aggregate classification.

Literature cited by the submitters: PubMed 16199547 (cited by Labcorp Genetics (formerly Invitae), Labcorp); PubMed 12594532 (cited by Labcorp Genetics (formerly Invitae), Labcorp); PubMed 12754705 (cited by Labcorp Genetics (formerly Invitae), Labcorp and OMIM).